The following is an entry in ClinVar:

NM_000352.6(ABCC8):c.4414G>A (p.Ala1472Thr)

Gene: ABCC8 (ATP binding cassette subfamily C member 8; minus strand). Cytogenetic location: 11p15.1.
Variant type: single nucleotide variant.
Coding change: c.4414G>A on transcript NM_000352.6 (MANE Select); coding-DNA position 4414, G replaced by A.
Protein change: p.Ala1472Thr; replaces alanine 1472 with threonine.
Molecular consequence: missense variant. On other transcripts: non-coding transcript variant (1).
Genome position (GRCh38, 1-based): chr11:17,394,397, C>T on the plus strand (G>A on the coding strand, the complement: ABCC8 is on the minus strand). VCF-style: chr11-17394397-C-T. GRCh37 (hg19) VCF-style: chr11-17415944-C-T.
Other names: c.4417G>A, p.Ala1473Thr (NM_001287174.3); c.4480G>A, p.Ala1494Thr (NM_001351295.2); c.4414G>A, p.Ala1472Thr (NM_001351296.2); c.4411G>A, p.Ala1471Thr (NM_001351297.2); short protein forms A1471T, A1472T, A1473T, A1494T.
Identifiers: ClinVar variation 2677432 (VCV002677432.3), dbSNP rs1368661753, ClinGen allele CA379783826.
Genomic context (GRCh38, chr11:17,394,397, plus strand): 5'-CCAGGCAGAACAGCTGCCTCTGTCCCTGGCTGAAATTCTCCCCGCCTTCTGTGATGATGG[C>T]ATCTGAAAACAGCCCGGGGAGATGAAGTAGGACTGAGTTAATCTTGTGCTGTGAGTGGAG-3'
Protein context (NP_000343.2, residues 1462-1482): VVKALPGGLD[Ala1472Thr]IITEGGENFS

ClinVar aggregate classification (germline): Conflicting classifications of pathogenicity. Review status: criteria provided, conflicting classifications (1 of 4 stars). 2 submissions from 2 submitters: Pathogenic (1); Uncertain significance (1). Last evaluated 2025-06-05.

Conditions:
Type 2 diabetes mellitus. Also called: Type II diabetes mellitus. Identifiers: MedGen C0011860, MeSH D003924, MONDO:0005148, OMIM 125853, HP:0005978.

gnomAD v4.1: 5 of 1,614,200 alleles (0.00031%); highest among the groups gnomAD compares: South Asian, 0.0044%; no homozygotes.

Submissions (2):

Labcorp Genetics (formerly Invitae), Labcorp
Classification: Uncertain significance. Last evaluated: 2025-06-05. Review status: criteria provided, single submitter. Criteria: Invitae Variant Classification Sherloc (09022015). Collection method: clinical testing. Allele origin: germline.
Comment: This sequence change replaces alanine, which is neutral and non-polar, with threonine, which is neutral and polar, at codon 1472 of the ABCC8 protein (p.Ala1472Thr). This variant is not present in population databases (gnomAD no frequency). This missense change has been observed in individual(s) with ABCC8-related conditions (PMID: 24616771). ClinVar contains an entry for this variant (Variation ID: 2677432). An algorithm developed to predict the effect of missense changes on protein structure and function (PolyPhen-2) suggests that this variant is likely to be tolerated. In summary, the available evidence is currently insufficient to determine the role of this variant in disease. Therefore, it has been classified as a Variant of Uncertain Significance.

Baylor Genetics
Classification: Pathogenic for Type 2 diabetes mellitus. Last evaluated: 2023-05-22. Review status: criteria provided, single submitter. Criteria: ACMG Guidelines, 2015. Collection method: clinical testing. Allele origin: unknown.

Literature cited by the submitters: PubMed 24616771 (cited by Labcorp Genetics (formerly Invitae), Labcorp).